The following is an entry in ClinVar:

NM_000237.3(LPL):c.1385T>C (p.Phe462Ser)

Gene: LPL (lipoprotein lipase; plus strand). Cytogenetic location: 8p21.3.
Variant type: single nucleotide variant.
Coding change: c.1385T>C on transcript NM_000237.3 (MANE Select); coding-DNA position 1385, T replaced by C.
Protein change: p.Phe462Ser; replaces phenylalanine 462 with serine.
Molecular consequence: missense variant.
Genome position (GRCh38, 1-based): chr8:19,962,177, T>C. VCF-style: chr8-19962177-T-C. GRCh37 (hg19) VCF-style: chr8-19819688-T-C.
Other names: p.Phe462Ser; short protein forms F462S.
Identifiers: ClinVar variation 1771384 (VCV001771384.3), dbSNP rs776532284, ClinGen allele CA4655729.

ClinVar aggregate classification (germline): Uncertain significance. Review status: criteria provided, multiple submitters, no conflicts (2 of 4 stars). 2 submissions from 2 submitters: Uncertain significance (2). Last evaluated 2023-12-08.

Conditions:
Cardiovascular phenotype. Identifiers: MedGen CN230736.

Allele frequency attached by ClinVar (database versions not stated): gnomAD exomes below 0.00001; TOPMed below 0.00001; ExAC 0.00001; gnomAD 0.00001.

Submissions (2):

Mayo Clinic Laboratories, Mayo Clinic
Classification: Uncertain significance. Last evaluated: 2023-12-08. Review status: criteria provided, single submitter. Criteria: ACMG Guidelines, 2015. Collection method: clinical testing. Allele origin: germline. Observed: 1 variant allele.

Ambry Genetics
Classification: Uncertain significance for Cardiovascular phenotype. Last evaluated: 2021-06-30. Review status: criteria provided, single submitter. Criteria: Ambry Variant Classification Scheme 2023. Collection method: clinical testing. Allele origin: germline.
Comment: The p.F462S variant (also known as c.1385T>C), located in coding exon 9 of the LPL gene, results from a T to C substitution at nucleotide position 1385. The phenylalanine at codon 462 is replaced by serine, an amino acid with highly dissimilar properties. This amino acid position is conserved. In addition, this alteration is predicted to be deleterious by in silico analysis. Since supporting evidence is limited at this time, the clinical significance of this alteration remains unclear.